The following is an entry in ClinVar:

NM_000540.3(RYR1):c.12349_12350delinsAT (p.Asp4117Ile)

Gene: RYR1 (ryanodine receptor 1; plus strand). Cytogenetic location: 19q13.2.
Variant type: Indel.
Coding change: c.12349_12350delinsAT on transcript NM_000540.3 (MANE Select); coding-DNA positions 12349 to 12350, GA replaced by AT.
Protein change: p.Asp4117Ile; replaces aspartic acid 4117 with isoleucine.
Molecular consequence: missense variant.
Genome position (GRCh38, 1-based): chr19:38,561,179-38,561,180, GA replaced by AT. VCF-style: chr19-38561179-GA-AT. GRCh37 (hg19) VCF-style: chr19-39051819-GA-AT.
Other names: c.12334_12335delinsAT, p.Asp4112Ile (NM_001042723.2); short protein forms D4112I, D4117I.
Identifiers: ClinVar variation 590401 (VCV000590401.14), dbSNP rs1568575693, ClinGen allele CA891863126.

ClinVar aggregate classification (germline): Uncertain significance. Review status: criteria provided, multiple submitters, no conflicts (2 of 4 stars). 6 submissions from 6 submitters: Uncertain significance (6). Last evaluated 2026-05-26.

Conditions:
RYR1-related disorder. Also called: RYR1-related condition; RYR1-related disorders. Identifiers: MedGen CN239331.
Malignant hyperthermia, susceptibility to, 1 (MHS1). Also called: RYR1-Related Malignant Hyperthermia Susceptibility; Anesthesia related hyperthermia; Malignant hyperpyrexia; Fulminating hyperpyrexia; Pharmacogenic myopathy; Malignant hyperthermia suceptibility 1. Identifiers: Orphanet 423, MedGen C2930980, MONDO:0007783, OMIM 145600.
Central core myopathy (CMYO1A). Also called: Central core disease; Myopathy, central fibrillar; CONGENITAL MYOPATHY 1A, AUTOSOMAL DOMINANT, WITH SUSCEPTIBILITY TO MALIGNANT HYPERTHERMIA. Identifiers: Orphanet 597, MedGen C5830701, MONDO:0007294, OMIM 117000.
Congenital myopathy with fiber type disproportion. Also called: Congenital fiber-type disproportion myopathy; Congenital fiber-type disproportion. Identifiers: Orphanet 2020, MedGen C0546264, MONDO:0009711. Inheritance: all.
Congenital multicore myopathy with external ophthalmoplegia (CMYO1B). Also called: Congenital myopathy 1B, autosomal recessive; Minicore myopathy; Minicore myopathy with external ophthalmoplegia; MULTIMINICORE DISEASE WITH EXTERNAL OPHTHALMOPLEGIA; MULTICORE MYOPATHY. Identifiers: Orphanet 598, Orphanet 98905, MedGen C1850674, MONDO:0009712, OMIM 255320, HP:0003789.
King Denborough syndrome (KDS). Identifiers: MedGen C1840365, MONDO:0020485, OMIM 619542.

Submissions (6):

GeneDx
Classification: Uncertain significance. Last evaluated: 2026-05-26. Review status: criteria provided, single submitter. Criteria: GeneDx Variant Classification Process June 2021. Collection method: clinical testing. Allele origin: germline.
Comment: Not observed at significant frequency in large population cohorts (gnomAD); In silico analysis supports a deleterious effect on protein structure/function; This variant is associated with the following publications: (PMID: 32236737)

Labcorp Genetics (formerly Invitae), Labcorp
Classification: Uncertain significance for RYR1-related disorder. Last evaluated: 2026-01-24. Review status: criteria provided, single submitter. Criteria: Invitae Variant Classification Sherloc (09022015). Collection method: clinical testing. Allele origin: germline.
Comment: This sequence change replaces aspartic acid, which is acidic and polar, with isoleucine, which is neutral and non-polar, at codon 4117 of the RYR1 protein (p.Asp4117Ile). This variant is present in population databases (no rsID available, gnomAD 0.003%). This missense change has been observed in individual(s) with clinical features of RYR1-related conditions (PMID: 32236737). ClinVar contains an entry for this variant (Variation ID: 590401). An algorithm developed to predict the effect of missense changes on protein structure and function (PolyPhen-2) suggests that this variant is likely to be tolerated. In summary, the available evidence is currently insufficient to determine the role of this variant in disease. Therefore, it has been classified as a Variant of Uncertain Significance.

Revvity Omics, Revvity
Classification: Uncertain significance. Last evaluated: 2025-06-25. Review status: criteria provided, single submitter. Criteria: ACMG Guidelines, 2015. Collection method: clinical testing. Allele origin: germline.

Color Diagnostics, LLC DBA Color Health
Classification: Uncertain significance for Malignant hyperthermia, susceptibility to, 1. Last evaluated: 2025-05-30. Review status: criteria provided, single submitter. Criteria: ACMG Guidelines, 2015. Collection method: clinical testing. Allele origin: germline.
Comment: This missense variant replaces aspartic acid with isoleucine at codon 4117 of the RYR1 protein. To our knowledge, functional studies have not been reported for this variant. This variant has not been reported in individuals affected with RYR1-related disorders in the literature. This variant has not been identified in the general population by the Genome Aggregation Database (gnomAD). The available evidence is insufficient to determine the role of this variant in disease conclusively. Therefore, this variant is classified as a Variant of Uncertain Significance.

Fulgent Genetics
Classification: Uncertain significance for Central core myopathy; Malignant hyperthermia, susceptibility to, 1; Congenital myopathy 4A, autosomal dominant; Congenital multicore myopathy with external ophthalmoplegia; King Denborough syndrome. Last evaluated: 2021-10-12. Review status: criteria provided, single submitter. Criteria: ACMG Guidelines, 2015. Collection method: clinical testing. Allele origin: unknown.

PreventionGenetics, part of Exact Sciences
Classification: Uncertain significance. Last evaluated: 2018-03-28. Review status: criteria provided, single submitter. Criteria: ACMG Guidelines, 2015. Collection method: clinical testing. Allele origin: germline.

Literature cited by the submitters: PubMed 32236737 (cited by Labcorp Genetics (formerly Invitae), Labcorp).